The following is an entry in ClinVar:

ClinVar aggregate classification (germline): Likely benign. Review status: criteria provided, multiple submitters, no conflicts (2 of 4 stars). 3 submissions from 3 submitters: Likely benign (3). Last evaluated 2026-08-01.

Submissions (3):

CeGaT Center for Human Genetics Tuebingen
Classification: Likely benign. Last evaluated: 2026-08-01. Review status: criteria provided, single submitter. Criteria: CeGaT Center For Human Genetics Tuebingen Variant Classification Criteria Version 2. Collection method: clinical testing. Allele origin: germline. Affected: yes. Observed: 2 variant alleles.
Comment: MTOR: BP4

Labcorp Genetics (formerly Invitae), Labcorp
Classification: Likely benign. Last evaluated: 2026-01-12. Review status: criteria provided, single submitter. Criteria: Invitae Variant Classification Sherloc (09022015). Collection method: clinical testing. Allele origin: germline.

GeneDx
Classification: Likely benign. Last evaluated: 2020-09-03. Review status: criteria provided, single submitter. Criteria: GeneDx Variant Classification Process June 2021. Collection method: clinical testing. Allele origin: germline. Affected: yes.

NM_004958.4(MTOR):c.1413-3_1413-2del

Gene: MTOR (mechanistic target of rapamycin kinase; minus strand). Cytogenetic location: 1p36.22.
Variant type: Deletion.
Coding change: c.1413-3_1413-2del on transcript NM_004958.4 (MANE Select); 3 bases into the intron before coding-DNA position 1413 through the canonical splice acceptor site of the intron before coding-DNA position 1413, 2 bases deleted (CA; older notation c.1413-3_1413-2delCA).
Molecular consequence: splice acceptor variant.
Genome position (GRCh38, 1-based): chr1:11,241,683-11,241,684, TG deleted on the plus strand (CA on the coding strand, the reverse complement: MTOR is on the minus strand); deleting any 2 consecutive bases within chr1:11,241,683-11,241,685 gives the same sequence; the c. name uses the placement nearest the transcript's 3' end. VCF-style (leftmost placement, unchanged base first): chr1-11241682-CTG-C. GRCh37 (hg19) VCF-style: chr1-11301739-CTG-C.
Other names: c.1413-3_1413-2del (LRG_734t1); c.1413-3_1413-2delCA (NM_004958.3).
Identifiers: ClinVar variation 661340 (VCV000661340.14), dbSNP rs780487698, ClinGen allele CA590715.